The following is an entry in ClinVar:

NM_032634.4(PIGO):c.873G>T (p.Glu291Asp)

Gene: PIGO (phosphatidylinositol glycan anchor biosynthesis class O; minus strand). Cytogenetic location: 9p13.3.
Variant type: single nucleotide variant.
Coding change: c.873G>T on transcript NM_032634.4 (MANE Select); coding-DNA position 873, G replaced by T.
Protein change: p.Glu291Asp; replaces glutamic acid 291 with aspartic acid.
Molecular consequence: missense variant.
Genome position (GRCh38, 1-based): chr9:35,093,487, C>A on the plus strand (G>T on the coding strand, the complement: PIGO is on the minus strand). VCF-style: chr9-35093487-C-A. GRCh37 (hg19) VCF-style: chr9-35093484-C-A.
Other names: c.873G>T, p.Glu291Asp (NM_001201484.2, NM_152850.4); short protein forms E291D.
Identifiers: ClinVar variation 1308019 (VCV001308019.2), dbSNP rs765215020, ClinGen allele CA5040805.

ClinVar aggregate classification (germline): Uncertain significance (1 of 4 stars; one submission).

Allele frequency attached by ClinVar (database versions not stated): gnomAD 0.00001; gnomAD exomes 0.00001; ExAC 0.00003.

Submission:

GeneDx
Classification: Uncertain significance. Last evaluated: 2019-08-22. Review status: criteria provided, single submitter. Criteria: GeneDx Variant Classification Process June 2021. Collection method: clinical testing. Allele origin: germline. Affected: yes.
Comment: Not observed at a significant frequency in large population cohorts (Lek et al., 2016); In silico analysis, which includes protein predictors and evolutionary conservation, supports that this variant does not alter protein structure/function; Has not been previously published as pathogenic or benign to our knowledge